The following is an entry in ClinVar:

ClinVar aggregate classification (germline): Uncertain significance. Review status: criteria provided, multiple submitters, no conflicts (2 of 4 stars). 5 submissions from 5 submitters: Uncertain significance (5). Last evaluated 2026-06-20.

Conditions:
Occult macular dystrophy (OCMD). Also called: OMD; OCCULT MACULAR DYSTROPHY, SUSCEPTIBILITY TO. Identifiers: Orphanet 247834, MedGen C3150833, MONDO:0013316, OMIM 613587, HP:0030636.
Retinitis pigmentosa 88. Identifiers: MedGen C5394208, MONDO:0032940, OMIM 618826.
Retinal dystrophy. Also called: Inherited retinal dystrophy. Identifiers: Orphanet 71862, MedGen C0854723, MeSH D058499, MONDO:0019118, HP:0000556.
Inborn genetic diseases. Identifiers: MedGen C0950123, MeSH D030342.
RP1L1-related disorder. Also called: RP1L1-related condition.

Allele frequency attached by ClinVar (database versions not stated): gnomAD 0.00009; TOPMed 0.00009; ExAC 0.00016; gnomAD exomes 0.00017.
gnomAD v4.1: 262 of 1,614,060 alleles (0.016%); highest among the groups gnomAD compares: Middle Eastern, 0.016%; 1 homozygote.

Submissions (5):

PreventionGenetics, part of Exact Sciences
Classification: Uncertain significance for RP1L1-related condition. Last evaluated: 2026-06-20. Review status: criteria provided, single submitter. Criteria: ACMG Guidelines, 2015. Collection method: clinical testing. Allele origin: germline.
Comment: The RP1L1 c.601G>A variant is predicted to result in the amino acid substitution p.Gly201Arg. This variant has been reported in the homozygous state in an individual with retinitis pigmentosa (Table S4, Panneman et al. 2023. PubMed ID: 36819107). However, this variant is reported in 0.15% of alleles in individuals of Ashkenazi Jewish descent in gnomAD, which may be too frequent to be a primary cause of disease. Although we suspect that this variant may be benign, the clinical significance of this variant is currently classified as uncertain due to the absence of conclusive functional and genetic evidence.

Labcorp Genetics (formerly Invitae), Labcorp
Classification: Uncertain significance. Last evaluated: 2025-12-03. Review status: criteria provided, single submitter. Criteria: Invitae Variant Classification Sherloc (09022015). Collection method: clinical testing. Allele origin: germline.
Comment: This sequence change replaces glycine, which is neutral and non-polar, with arginine, which is basic and polar, at codon 201 of the RP1L1 protein (p.Gly201Arg). This variant is present in population databases (rs767784152, gnomAD 0.2%). This missense change has been observed in individual(s) with retinitis pigmentosa (PMID: 36819107). ClinVar contains an entry for this variant (Variation ID: 866377). Invitae Evidence Modeling of protein sequence and biophysical properties (such as structural, functional, and spatial information, amino acid conservation, physicochemical variation, residue mobility, and thermodynamic stability) has been performed for this missense variant. However, the output from this modeling did not meet the statistical confidence thresholds required to predict the impact of this variant on RP1L1 protein function. In summary, the available evidence is currently insufficient to determine the role of this variant in disease. Therefore, it has been classified as a Variant of Uncertain Significance.

Ambry Genetics
Classification: Uncertain significance for Inborn genetic diseases. Last evaluated: 2025-10-24. Review status: criteria provided, single submitter. Criteria: Ambry Variant Classification Scheme 2023. Collection method: clinical testing. Allele origin: germline.

Blueprint Genetics
Classification: Uncertain significance. Last evaluated: 2024-10-04. Review status: criteria provided, single submitter. Criteria: ACMG Guidelines, 2015. Collection method: clinical testing. Allele origin: germline.

Institute of Human Genetics, Univ. Regensburg, Univ. Regensburg
Classification: Uncertain significance for Retinal dystrophy. Last evaluated: 2020-01-01. Review status: criteria provided, single submitter. Criteria: ACMG Guidelines, 2015. Collection method: clinical testing. Allele origin: germline. Affected: yes.

Literature cited by the submitters: PubMed 36819107 (cited by Labcorp Genetics (formerly Invitae), Labcorp and Institute of Human Genetics, Univ. Regensburg, Univ. Regensburg).

NM_178857.6(RP1L1):c.601G>A (p.Gly201Arg)

Gene: RP1L1 (RP1 like 1). Cytogenetic location: 8p23.1.
Variant type: single nucleotide variant.
Coding change: c.601G>A on transcript NM_178857.6 (MANE Select); coding-DNA position 601, G replaced by A.
Protein change: p.Gly201Arg; replaces glycine 201 with arginine.
Molecular consequence: missense variant.
Genome position (GRCh38, 1-based): chr8:10,622,601, C>T on the plus strand (G>A on the coding strand, the complement: RP1L1 is on the minus strand). VCF-style: chr8-10622601-C-T. GRCh37 (hg19) VCF-style: chr8-10480111-C-T.
Other names: short protein forms G201R.
Identifiers: ClinVar variation 866377 (VCV000866377.13), dbSNP rs767784152, ClinGen allele CA4625628.